The following is an entry in ClinVar:

ClinVar aggregate classification (germline): Pathogenic (1 of 4 stars; one submission).

Conditions:
Bethlem myopathy 1A. Also called: Bethlem myopathy 1; Bethlem Muscular Dystrophy; MYOPATHY, BENIGN CONGENITAL, WITH CONTRACTURES. Identifiers: Orphanet 610, MedGen CN029274, MONDO:0024530, OMIM 158810.

Submission:

Labcorp Genetics (formerly Invitae), Labcorp
Classification: Pathogenic for Bethlem myopathy 1A. Last evaluated: 2023-11-27. Review status: criteria provided, single submitter. Criteria: Invitae Variant Classification Sherloc (09022015). Collection method: clinical testing. Allele origin: germline.
Comment: This sequence change creates a premature translational stop signal (p.Gln144*) in the COL6A2 gene. It is expected to result in an absent or disrupted protein product. Loss-of-function variants in COL6A2 are known to be pathogenic (PMID: 19884007, 20976770). This variant is not present in population databases (gnomAD no frequency). This variant has not been reported in the literature in individuals affected with COL6A2-related conditions. For these reasons, this variant has been classified as Pathogenic.

Literature cited by the submitters: PubMed 19884007; PubMed 20976770.

NM_001849.4(COL6A2):c.430C>T (p.Gln144Ter)

Gene: COL6A2 (collagen type VI alpha 2 chain; plus strand). Cytogenetic location: 21q22.3.
Variant type: single nucleotide variant.
Coding change: c.430C>T on transcript NM_001849.4 (MANE Select); coding-DNA position 430, C replaced by T.
Protein change: p.Gln144Ter; replaces glutamine 144 with a stop codon.
Molecular consequence: nonsense.
Genome position (GRCh38, 1-based): chr21:46,112,293, C>T. VCF-style: chr21-46112293-C-T. GRCh37 (hg19) VCF-style: chr21-47532207-C-T.
Other names: c.430C>T, p.Gln144Ter (NM_058174.3, NM_058175.3); short protein forms Q144*.
Identifiers: ClinVar variation 2747391 (VCV002747391.3), dbSNP rs2516989781, ClinGen allele CA410521550.